The following is an entry in ClinVar:

ClinVar aggregate classification (germline): Likely benign. Review status: criteria provided, single submitter (1 of 4 stars). 2 submissions from 2 submitters: Likely benign (1). 1 of the submissions does not count toward it. Last evaluated 2018-09-17.

Conditions:
CHN1-related disorder. Also called: CHN1-related condition.

Allele frequency attached by ClinVar (database versions not stated): gnomAD 0.00032 and 0.00034; 1000 Genomes Project 0.00060; TOPMed 0.00060; 1000 Genomes Project 30x 0.00078.

Submissions (2):

Labcorp Genetics (formerly Invitae), Labcorp
Classification: Likely benign. Last evaluated: 2018-09-17. Review status: criteria provided, single submitter. Criteria: Invitae Variant Classification Sherloc (09022015). Collection method: clinical testing. Allele origin: germline.

PreventionGenetics, part of Exact Sciences
Classification: Likely benign for CHN1-related condition. Last evaluated: 2019-06-17. Review status: no assertion criteria provided. Collection method: clinical testing. Allele origin: germline. Not counted in ClinVar's aggregate classification.
Comment: This variant is classified as likely benign based on ACMG/AMP sequence variant interpretation guidelines (Richards et al. 2015 PMID: 25741868, with internal and published modifications).

NM_001822.7(CHN1):c.276C>G (p.Thr92=)

Gene: CHN1 (chimerin 1; minus strand). Cytogenetic location: 2q31.1.
Variant type: single nucleotide variant.
Coding change: c.276C>G on transcript NM_001822.7 (MANE Select); coding-DNA position 276, C replaced by G.
Protein change: p.Thr92=; no amino-acid change (threonine 92 retained).
Molecular consequence: synonymous variant.
Genome position (GRCh38, 1-based): chr2:174,878,113, G>C on the plus strand (C>G on the coding strand, the complement: CHN1 is on the minus strand). VCF-style: chr2-174878113-G-C. GRCh37 (hg19) VCF-style: chr2-175742841-G-C.
Other names: c.276C>G, p.Thr92= (NM_001025201.4, NM_001371513.1); c.327C>G, p.Thr109= (NM_001371514.1).
Identifiers: ClinVar variation 761254 (VCV000761254.5), dbSNP rs200043744, ClinGen allele CA1975054.
Genomic context (GRCh38, chr2:174,878,113, plus strand): 5'-GGACTCAAAGCGTTTCTCCCCAACAAAGTGCTTGCCATCGTAGTAGAGCCTGAAGTTTCT[G>C]GTTTGACTTCCAAATCTGCCTCAATGAAATGGGAAAGATGTTTTTAAGAAAAGTAAGCAA-3'
Protein context (NP_001813.1, residues 82-102): YTLALRFGSQ[Thr92=]RNFRLYYDGK